The following is an entry in ClinVar:

NM_002317.7(LOX):c.1035G>A (p.Gln345=)

Genes: LOX (lysyl oxidase; minus strand), SRFBP1 (serum response factor binding protein 1; plus strand). Cytogenetic location: 5q23.1.
Variant type: single nucleotide variant.
Coding change: c.1035G>A on transcript NM_002317.7 (MANE Select); coding-DNA position 1035, G replaced by A.
Protein change: p.Gln345=; no amino-acid change (glutamine 345 retained).
Molecular consequence: synonymous variant.
Genome position (GRCh38, 1-based): chr5:122,074,013, C>T on the plus strand (G>A on the coding strand, the complement: LOX is on the minus strand). VCF-style: chr5-122074013-C-T. GRCh37 (hg19) VCF-style: chr5-121409708-C-T.
Other names: c.345G>A, p.Gln115= (NM_001178102.2); c.144G>A, p.Gln48= (NM_001317073.1); c.1035G>A (NM_002317.5).
Identifiers: ClinVar variation 1345289 (VCV001345289.11), dbSNP rs2152589500, ClinGen allele CA446051058.

ClinVar aggregate classification (germline): Conflicting classifications of pathogenicity. Review status: criteria provided, conflicting classifications (1 of 4 stars). 3 submissions from 3 submitters: Likely pathogenic (1); Uncertain significance (2). Last evaluated 2025-08-20.

Conditions:
Aortic aneurysm, familial thoracic 10 (AAT10). Identifiers: MedGen C4284414, MONDO:0014950, OMIM 617168.
Cardiovascular phenotype. Identifiers: MedGen CN230736.

Submissions (3):

Labcorp Genetics (formerly Invitae), Labcorp
Classification: Uncertain significance. Last evaluated: 2025-08-20. Review status: criteria provided, single submitter. Criteria: Invitae Variant Classification Sherloc (09022015). Collection method: clinical testing. Allele origin: germline.
Comment: This sequence change affects codon 345 of the LOX mRNA. It is a 'silent' change, meaning that it does not change the encoded amino acid sequence of the LOX protein. This variant also falls at the last nucleotide of exon 4, which is part of the consensus splice site for this exon. This variant is not present in population databases (gnomAD no frequency). This variant has been observed in individual(s) with clinical features of LOX-related conditions (internal data). ClinVar contains an entry for this variant (Variation ID: 1345289). Variants that disrupt the consensus splice site are a relatively common cause of aberrant splicing (PMID: 17576681, 9536098). Algorithms developed to predict the effect of sequence changes on RNA splicing suggest that this variant may disrupt the consensus splice site. In summary, the available evidence is currently insufficient to determine the role of this variant in disease. Therefore, it has been classified as a Variant of Uncertain Significance.

Ambry Genetics
Classification: Uncertain significance for Cardiovascular phenotype. Last evaluated: 2025-04-17. Review status: criteria provided, single submitter. Criteria: Ambry Variant Classification Scheme 2023. Collection method: clinical testing. Allele origin: germline.
Comment: The c.1035G>A variant (also known as p.Q345Q), located in coding exon 4 of the LOX gene, results from a G to A substitution at nucleotide position 1035. This nucleotide substitution does not change the glutamine at codon 345. However, this change occurs in the last base pair of coding exon 4, which makes it likely to have some effect on normal mRNA splicing. This nucleotide position is well conserved in available vertebrate species. In silico splice site analysis for this alteration is inconclusive. Based on the available evidence, the clinical significance of this variant remains unclear.

Centre of Medical Genetics, University Hospital Muenster
Classification: Likely pathogenic for Aortic aneurysm, familial thoracic 10. Last evaluated: 2020-05-17. Review status: criteria provided, single submitter. Criteria: ACMG Guidelines, 2015. Collection method: clinical testing. Allele origin: germline. Affected: yes. Observed: 1 variant allele, 1 heterozygote.
Comment: ACMG categories: PS5,PM2,PP3

Literature cited by the submitters: PubMed 17576681 (cited by Labcorp Genetics (formerly Invitae), Labcorp); PubMed 9536098 (cited by Labcorp Genetics (formerly Invitae), Labcorp).